The following is an entry in ClinVar:

ClinVar aggregate classification (germline): Uncertain significance (1 of 4 stars; one submission).

Conditions:
Developmental and epileptic encephalopathy. Identifiers: MedGen C5779964, MONDO:0100620.

Submission:

Labcorp Genetics (formerly Invitae), Labcorp
Classification: Uncertain significance for Early-infantile DEE. Last evaluated: 2018-06-20. Review status: criteria provided, single submitter. Criteria: Invitae Variant Classification Sherloc (09022015). Collection method: clinical testing. Allele origin: germline.
Comment: This sequence change replaces glutamine with histidine at codon 1193 of the SCN1A protein (p.Gln1193His). The glutamine residue is highly conserved and there is a small physicochemical difference between glutamine and histidine. This variant is not present in population databases (ExAC no frequency). This variant has not been reported in the literature in individuals with SCN1A-related disease. Algorithms developed to predict the effect of missense changes on protein structure and function are either unavailable or do not agree on the potential impact of this missense change (SIFT: "Deleterious"; PolyPhen-2: "Benign"; Align-GVGD: "Class C15"). In summary, the available evidence is currently insufficient to determine the role of this variant in disease. Therefore, it has been classified as a Variant of Uncertain Significance. This variant identified in the SCN1A gene is located in the cytoplasmic interdomain linker D2-D3 region of the resulting protein (PMID: 25348405, 18804930), but it is unclear how this variant impacts the function of this protein.

Literature cited by the submitters: PubMed 25348405; PubMed 18804930.

NM_001165963.4(SCN1A):c.3579A>C (p.Gln1193His)

Genes: SCN1A (sodium voltage-gated channel alpha subunit 1; minus strand), LOC102724058 (uncharacterized LOC102724058; plus strand). Cytogenetic location: 2q24.3.
Variant type: single nucleotide variant.
Coding change: c.3579A>C on transcript NM_001165963.4 (MANE Select); coding-DNA position 3579, A replaced by C.
Protein change: p.Gln1193His; replaces glutamine 1193 with histidine.
Molecular consequence: missense variant. On other transcripts: non-coding transcript variant (1).
Genome position (GRCh38, 1-based): chr2:166,013,870, T>G on the plus strand (A>C on the coding strand, the complement: SCN1A is on the minus strand). VCF-style: chr2-166013870-T-G. GRCh37 (hg19) VCF-style: chr2-166870380-T-G.
Other names: c.3495A>C, p.Gln1165His (NM_001165964.3, NM_001353957.2, NM_001353958.2); c.3579A>C, p.Gln1193His (NM_001202435.3, NM_001353948.2); c.3546A>C, p.Gln1182His (NM_001353949.2, NM_001353950.2, NM_001353951.2 and 2 more transcripts); c.3543A>C, p.Gln1181His (NM_001353954.2, NM_001353955.2); c.3492A>C, p.Gln1164His (NM_001353960.2); c.1137A>C, p.Gln379His (NM_001353961.2); short protein forms Q1193H, Q1182H, Q1181H, Q379H, Q1164H, Q1165H.
Identifiers: ClinVar variation 570952 (VCV000570952.7), dbSNP rs757649321, ClinGen allele CA349056297.
Genomic context (GRCh38, chr2:166,013,870, plus strand): 5'-TCGGAAACACGTCCTTCTCAGGTTCCACCATTGTTTTCCTCTGCCTTCTTCCACATTGAT[T>G]TGACAACACTTGAATCTTTGTACACAGCCTGCAGAAAGTGTTGAAATAAAAGTAGATAAA-3'
Protein context (NP_001159435.1, residues 1183-1203): EGCVQRFKCC[Gln1193His]INVEEGRGKQ